The following is an entry in ClinVar:

ClinVar aggregate classification (germline): Uncertain significance. Review status: criteria provided, multiple submitters, no conflicts (2 of 4 stars). 4 submissions from 4 submitters: Uncertain significance (4). Last evaluated 2025-09-24.

Conditions:
Cardiovascular phenotype. Identifiers: MedGen CN230736.
Arrhythmogenic right ventricular dysplasia 8 (ARVD8). Also called: Arrhythmogenic Right Ventricular Dysplasia/Cardiomyopathy 8; ARRHYTHMOGENIC RIGHT VENTRICULAR DYSPLASIA, FAMILIAL, 8; ARRHYTHMOGENIC RIGHT VENTRICULAR CARDIOMYOPATHY 8. Identifiers: MedGen C1843896, MONDO:0011831, OMIM 607450.
Arrhythmogenic cardiomyopathy with wooly hair and keratoderma. Also called: Dilated cardiomyopathy with woolly hair and keratoderma; Carvajal syndrome; PALMOPLANTAR KERATODERMA WITH LEFT VENTRICULAR CARDIOMYOPATHY AND WOOLLY HAIR; Arrhythmogenic cardiomyopathy with woolly hair and keratoderma. Identifiers: Orphanet 65282, MedGen C1854063, MONDO:0011581, OMIM 605676.

Allele frequency attached by ClinVar (database versions not stated): gnomAD exomes below 0.00001.
gnomAD v4.1: 1 of 1,614,162 alleles (0.000062%); highest among the groups gnomAD compares: Non-Finnish European, 0.000085%; no homozygotes.

Submissions (4):

Labcorp Genetics (formerly Invitae), Labcorp
Classification: Uncertain significance for Arrhythmogenic cardiomyopathy with wooly hair and keratoderma; Arrhythmogenic right ventricular dysplasia 8. Last evaluated: 2025-09-24. Review status: criteria provided, single submitter. Criteria: Invitae Variant Classification Sherloc (09022015). Collection method: clinical testing. Allele origin: germline.
Comment: This sequence change replaces glutamine, which is neutral and polar, with proline, which is neutral and non-polar, at codon 1432 of the DSP protein (p.Gln1432Pro). This variant is not present in population databases (gnomAD no frequency). This variant has not been reported in the literature in individuals affected with DSP-related conditions. ClinVar contains an entry for this variant (Variation ID: 1693051). An algorithm developed to predict the effect of missense changes on protein structure and function (PolyPhen-2) suggests that this variant is likely to be tolerated. In summary, the available evidence is currently insufficient to determine the role of this variant in disease. Therefore, it has been classified as a Variant of Uncertain Significance.

Molecular Diagnostic Laboratory for Inherited Cardiovascular Disease, Montreal Heart Institute
Classification: Uncertain significance for Cardiovascular phenotype. Last evaluated: 2025-02-17. Review status: criteria provided, single submitter. Criteria: ACMG Guidelines, 2015. Collection method: clinical testing. Allele origin: germline. Affected: yes.

All of Us Research Program, National Institutes of Health
Classification: Uncertain significance for Arrhythmogenic cardiomyopathy with wooly hair and keratoderma. Last evaluated: 2023-11-20. Review status: criteria provided, single submitter. Criteria: ACMG Guidelines, 2015. Collection method: clinical testing. Allele origin: germline. Inheritance: Autosomal dominant inheritance. Observed: 1 variant allele, 1 heterozygote.
Comment: This missense variant replaces glutamine with proline at codon 1432 of the DSP protein. Computational prediction suggests that this variant may not impact protein structure and function (internally defined REVEL score threshold <= 0.5, PMID: 27666373). To our knowledge, functional studies have not been reported for this variant. This variant has not been reported in individuals affected with DSP-related disorders in the literature. This variant has not been identified in the general population by the Genome Aggregation Database (gnomAD). The available evidence is insufficient to determine the role of this variant in disease conclusively. Therefore, this variant is classified as a Variant of Uncertain Significance.

This study involves interpretation of variants in research participants for the purpose of population health screening. Participant phenotype was not available at the time of variant classification. Additional details can be found in publication PMID: 35346344, PMCID: PMC8962531

GeneDx
Classification: Uncertain significance. Last evaluated: 2022-06-01. Review status: criteria provided, single submitter. Criteria: GeneDx Variant Classification Process June 2021. Collection method: clinical testing. Allele origin: germline. Affected: yes.
Comment: Not observed at significant frequency in large population cohorts (gnomAD); In silico analysis supports that this missense variant does not alter protein structure/function; Has not been previously published as pathogenic or benign to our knowledge

NM_004415.4(DSP):c.4295A>C (p.Gln1432Pro)

Gene: DSP (desmoplakin; plus strand). Cytogenetic location: 6p24.3.
Variant type: single nucleotide variant.
Coding change: c.4295A>C on transcript NM_004415.4 (MANE Select); coding-DNA position 4295, A replaced by C.
Protein change: p.Gln1432Pro; replaces glutamine 1432 with proline.
Molecular consequence: missense variant. On other transcripts: intron variant (2).
Genome position (GRCh38, 1-based): chr6:7,580,485, A>C. VCF-style: chr6-7580485-A-C. GRCh37 (hg19) VCF-style: chr6-7580718-A-C.
Other names: c.4295A>C (NM_004415.3); c.4050+245A>C (NM_001319034.2); c.3582+713A>C (NM_001008844.3); short protein forms Q1432P.
Identifiers: ClinVar variation 1693051 (VCV001693051.5), dbSNP rs2113693777, ClinGen allele CA362685989.